The following is an entry in ClinVar:

ClinVar aggregate classification (germline): Uncertain significance (1 of 4 stars; one submission).

Submissions (2):

CeGaT Center for Human Genetics Tuebingen
Classification: Uncertain significance. Last evaluated: 2026-07-01. Review status: criteria provided, single submitter. Criteria: CeGaT Center For Human Genetics Tuebingen Variant Classification Criteria Version 2. Collection method: clinical testing. Allele origin: germline. Affected: yes. Observed: 1 variant allele.
Comment: MBTPS2: PM2:Supporting, BP4

Dr. Peter K. Rogan Lab, Western University
No classification provided (evidence only). Condition: Thyroid cancer, nonmedullary, 1. Review status: no classification provided. Collection method: in vitro. Allele origin: not applicable. Functional consequence: retained intron. Not counted in ClinVar's aggregate classification.

NM_015884.4(MBTPS2):c.288A>G (p.Lys96=)

Gene: MBTPS2 (membrane bound transcription factor peptidase, site 2; plus strand). Cytogenetic location: Xp22.12.
Variant type: single nucleotide variant.
Coding change: c.288A>G on transcript NM_015884.4 (MANE Select); coding-DNA position 288, A replaced by G.
Protein change: p.Lys96=; no amino-acid change (lysine 96 retained).
Molecular consequence: synonymous variant.
Genome position (GRCh38, 1-based): chrX:21,845,234, A>G. VCF-style: chrX-21845234-A-G. GRCh37 (hg19) VCF-style: chrX-21863352-A-G.
Other names: NC_000023.10:g.21863352A>G.
Identifiers: ClinVar variation 4484640 (VCV004484640.2).
Genomic context (GRCh38, chrX:21,845,234, plus strand): 5'-CAATTTTGGAATGGTGTTTGGCGTAATTGCCATGTTTAGCTCATTTTTTCTCCTTGGAAA[A>G]ACGCTGATGCAGACTTTGGCACAAATGATGGCTGACTCTCCCTCTTCTTATTCTTCCTCC-3'
Protein context (NP_056968.1, residues 86-106): AMFSSFFLLG[Lys96=]TLMQTLAQMM